The following is an entry in ClinVar:

NM_032444.4(SLX4):c.3868C>A (p.His1290Asn)

Gene: SLX4 (SLX4 structure-specific endonuclease subunit; minus strand). Cytogenetic location: 16p13.3.
Variant type: single nucleotide variant.
Coding change: c.3868C>A on transcript NM_032444.4 (MANE Select); coding-DNA position 3868, C replaced by A.
Protein change: p.His1290Asn; replaces histidine 1290 with asparagine.
Molecular consequence: missense variant.
Genome position (GRCh38, 1-based): chr16:3,589,770, G>T on the plus strand (C>A on the coding strand, the complement: SLX4 is on the minus strand). VCF-style: chr16-3589770-G-T. GRCh37 (hg19) VCF-style: chr16-3639771-G-T.
Other names: c.3868C>A (LRG_503t1, NM_032444.3); short protein forms H1290N.
Identifiers: ClinVar variation 262051 (VCV000262051.25), dbSNP rs112596894, ClinGen allele CA7865804.
Genomic context (GRCh38, chr16:3,589,770, plus strand): 5'-CAGAAAACTTCTGTGCGACTTCGTTCCCTTCCCTGTTTCCTACTGAGGCCCTGGGCGTGT[G>T]CTGAGTCACCGCCTGCACGGCCAGCCCGCTCCTGAGGCTGCTGATTTGGGTCTGGGAAGA-3'
Protein context (NP_115820.2, residues 1280-1300): SGLAVQAVTQ[His1290Asn]TPRASVGNRE

ClinVar aggregate classification (germline): Benign/Likely benign. Review status: criteria provided, multiple submitters, no conflicts (2 of 4 stars). 9 submissions from 9 submitters: Benign (8); Likely benign (1). Last evaluated 2026-02-04.

Conditions:
Fanconi anemia (FA). Also called: Fanconi's anemia. Identifiers: Orphanet 84, MedGen C0015625, MeSH D005199, MONDO:0019391.
Fanconi anemia complementation group P. Also called: SLX4-Related Fanconi Anemia. Identifiers: Orphanet 84, MedGen C3469542, MONDO:0013499, OMIM 613951.

Allele frequency attached by ClinVar (database versions not stated): ESP Exome Variant Server 0.00154; gnomAD 0.01345; TOPMed 0.02184; 1000 Genomes Project 0.02236; 1000 Genomes Project 30x 0.02295.
gnomAD v4.1: 12,632 of 1,613,546 alleles (0.78%); highest among the groups gnomAD compares: Admixed American, 17%; 1,076 homozygotes.

Submissions (9):

Labcorp Genetics (formerly Invitae), Labcorp
Classification: Benign for Fanconi anemia. Last evaluated: 2026-02-04. Review status: criteria provided, single submitter. Criteria: Invitae Variant Classification Sherloc (09022015). Collection method: clinical testing. Allele origin: germline.

Dasa
Classification: Benign. Last evaluated: 2025-12-11. Review status: criteria provided, single submitter. Criteria: DASA Assertion Criteria. Collection method: clinical testing. Allele origin: germline.
Comment: NM_032444.4(SLX4):c.3868C>A (p.His1290Asn) is interpreted as benign based on a combination of available evidence, which may include population frequency, observations in unaffected individuals, intact protein function, lack of segregation with disease, in silico models, amino acid conservation, lack of disease association in case-control studies, and/or inconsistency with the known disease mechanism or impacted region. Based on the available data, this variant is classified as benign.

ARUP Laboratories, Molecular Genetics and Genomics, ARUP Laboratories
Classification: Benign for Fanconi anemia complementation group P. Last evaluated: 2025-06-11. Review status: criteria provided, single submitter. Criteria: ARUP Molecular Germline Variant Investigation Process 2024. Collection method: clinical testing. Allele origin: germline.

Blueprint Genetics
Classification: Likely benign. Last evaluated: 2024-11-27. Review status: criteria provided, single submitter. Criteria: ACMG Guidelines, 2015. Collection method: clinical testing. Allele origin: germline.

KCCC/NGS Laboratory, Kuwait Cancer Control Center
Classification: Benign for Fanconi anemia complementation group P. Last evaluated: 2023-07-07. Review status: criteria provided, single submitter. Criteria: ACMG Guidelines, 2015. Collection method: clinical testing. Allele origin: germline. Affected: yes.

GeneDx
Classification: Benign. Last evaluated: 2019-04-09. Review status: criteria provided, single submitter. Criteria: GeneDx Variant Classification Process June 2021. Collection method: clinical testing. Allele origin: germline. Affected: yes.

Illumina Laboratory Services, Illumina
Classification: Benign for Fanconi anemia complementation group P. Last evaluated: 2018-01-12. Review status: criteria provided, single submitter. Criteria: ICSL Variant Classification Criteria 13 December 2019. Collection method: clinical testing. Allele origin: germline.
Comment: This variant was observed in the ICSL laboratory as part of a predisposition screen in an ostensibly healthy population. It had not been previously curated by ICSL or reported in the Human Gene Mutation Database (HGMD: prior to June 1st, 2018), and was therefore a candidate for classification through an automated scoring system. Utilizing variant allele frequency, disease prevalence and penetrance estimates, and inheritance mode, an automated score was calculated to assess if this variant is too frequent to cause the disease. Based on the score and internal cut-off values, a variant classified as benign is not then subjected to further curation. The score for this variant resulted in a classification of benign for this disease.

Breakthrough Genomics
Classification: Benign. Review status: criteria provided, single submitter. Criteria: ACMG Guidelines, 2015. Collection method: not provided. Allele origin: germline. Inheritance: Autosomal recessive inheritance. Affected: yes.

PreventionGenetics, part of Exact Sciences
Classification: Benign. Review status: criteria provided, single submitter. Criteria: ACMG Guidelines, 2015. Collection method: clinical testing. Allele origin: germline.